The following is an entry in ClinVar:

NM_020297.4(ABCC9):c.3473+112C>T

Gene: ABCC9 (ATP binding cassette subfamily C member 9; minus strand). Cytogenetic location: 12p12.1.
Variant type: single nucleotide variant.
Coding change: c.3473+112C>T on transcript NM_020297.4 (MANE Select); 112 bases into the intron after coding-DNA position 3473, C replaced by T.
Molecular consequence: intron variant.
Genome position (GRCh38, 1-based): chr12:21,842,202, G>A on the plus strand (C>T on the coding strand, the complement: ABCC9 is on the minus strand). VCF-style: chr12-21842202-G-A. GRCh37 (hg19) VCF-style: chr12-21995136-G-A.
Other names: c.2606+112C>T (NM_001377274.1); c.3473+112C>T (NM_005691.4, NM_001377273.1).
Identifiers: ClinVar variation 674348 (VCV000674348.2), dbSNP rs61926071, ClinGen allele CA233631901.

ClinVar aggregate classification (germline): Likely benign. Review status: criteria provided, multiple submitters, no conflicts (2 of 4 stars). 2 submissions from 2 submitters: Likely benign (2). Last evaluated 2018-06-14.

Allele frequency attached by ClinVar (database versions not stated): 1000 Genomes Project 0.01278; 1000 Genomes Project 30x 0.01390; TOPMed 0.02674; gnomAD 0.02677 and 0.02760; gnomAD exomes 0.03369.
gnomAD v4.1: 43,606 of 1,331,760 alleles (3.3%); highest among the groups gnomAD compares: Non-Finnish European, 3.9%; 820 homozygotes.

Submissions (2):

GeneDx
Classification: Likely benign. Last evaluated: 2018-06-14. Review status: criteria provided, single submitter. Criteria: GeneDx Variant Classification (06012015). Collection method: clinical testing. Allele origin: germline. Affected: yes.
Comment: This variant is considered likely benign or benign based on one or more of the following criteria: it is a conservative change, it occurs at a poorly conserved position in the protein, it is predicted to be benign by multiple in silico algorithms, and/or has population frequency not consistent with disease.

Breakthrough Genomics
Classification: Likely benign. Review status: criteria provided, single submitter. Criteria: ACMG Guidelines, 2015. Collection method: not provided. Allele origin: germline. Inheritance: Autosomal recessive inheritance. Affected: yes.